The following is an entry in ClinVar:

NM_000361.3(THBD):c.*36G>A

Gene: THBD (thrombomodulin; minus strand). Cytogenetic location: 20p11.21.
Variant type: single nucleotide variant.
Coding change: c.*36G>A on transcript NM_000361.3 (MANE Select); 36 bases downstream of the stop codon, G replaced by A.
Molecular consequence: 3 prime UTR variant.
Genome position (GRCh38, 1-based): chr20:23,047,741, C>T on the plus strand (G>A on the coding strand, the complement: THBD is on the minus strand). VCF-style: chr20-23047741-C-T. GRCh37 (hg19) VCF-style: chr20-23028378-C-T.
Identifiers: ClinVar variation 4280577 (VCV004280577.1).

ClinVar aggregate classification (germline): Uncertain significance (1 of 4 stars; one submission).

Conditions:
Thrombomodulin-related bleeding disorder (THPH12). Also called: Thrombophilia due to thrombomodulin defect. Identifiers: Orphanet 436169, MedGen C3280976, MONDO:0013775, OMIM 614486.

Submission:

Genomenon, Inc
Classification: Uncertain significance for Thrombomodulin-related bleeding disorder. Last evaluated: 2025-09-22. Review status: criteria provided, single submitter. Criteria: Genomenon Sequence Variant Interpretation Standards - Updated. Collection method: curation. Allele origin: germline. Affected: no.
Comment: THBD c.*36G>A is a variant located in the 3′ untranslated region (3′ UTR). This variant has been reported in the published literature (PMID:28339660;36699080). It is absent or not present at a significant frequency in gnomAD. In conclusion, we classify THBD c.*36G>A as a variant of unknown significance.

Literature cited by the submitters: PubMed 28339660; PubMed 36699080.